The following is an entry in ClinVar:

NM_001044385.3(TMEM237):c.405G>A (p.Gln135=)

Gene: TMEM237 (transmembrane protein 237; minus strand). Cytogenetic location: 2q33.1.
Variant type: single nucleotide variant.
Coding change: c.405G>A on transcript NM_001044385.3 (MANE Select); coding-DNA position 405, G replaced by A.
Protein change: p.Gln135=; no amino-acid change (glutamine 135 retained).
Molecular consequence: synonymous variant.
Genome position (GRCh38, 1-based): chr2:201,632,199, C>T on the plus strand (G>A on the coding strand, the complement: TMEM237 is on the minus strand). VCF-style: chr2-201632199-C-T. GRCh37 (hg19) VCF-style: chr2-202496922-C-T.
Other names: c.381G>A, p.Gln127= (NM_152388.4).
Identifiers: ClinVar variation 783110 (VCV000783110.14), dbSNP rs370418884, ClinGen allele CA2056480.

ClinVar aggregate classification (germline): Likely benign. Review status: criteria provided, multiple submitters, no conflicts (2 of 4 stars). 4 submissions from 4 submitters: Likely benign (3). 1 of the submissions does not count toward it. Last evaluated 2026-02-01.

Conditions:
TMEM237-related disorder. Also called: TMEM237-related condition.
Joubert syndrome 14 (JBTS14). Identifiers: MedGen C3280766, MONDO:0013745, OMIM 614424.

Allele frequency attached by ClinVar (database versions not stated): gnomAD exomes 0.00003 and 0.00008; ExAC 0.00007; gnomAD 0.00028 and 0.00030; TOPMed 0.00029; ESP Exome Variant Server 0.00033.
gnomAD v4.1: 83 of 1,613,650 alleles (0.0051%); highest among the groups gnomAD compares: African/African-American, 0.084%; no homozygotes.

Submissions (4):

Labcorp Genetics (formerly Invitae), Labcorp
Classification: Likely benign for Joubert syndrome 14. Last evaluated: 2026-02-01. Review status: criteria provided, single submitter. Criteria: Invitae Variant Classification Sherloc (09022015). Collection method: clinical testing. Allele origin: germline.

Blueprint Genetics
Classification: Likely benign. Last evaluated: 2024-06-20. Review status: criteria provided, single submitter. Criteria: ACMG Guidelines, 2015. Collection method: clinical testing. Allele origin: germline.

Breakthrough Genomics
Classification: Likely benign. Review status: criteria provided, single submitter. Criteria: ACMG Guidelines, 2015. Collection method: not provided. Allele origin: germline. Inheritance: Autosomal recessive inheritance. Affected: yes.

PreventionGenetics, part of Exact Sciences
Classification: Likely benign for TMEM237-related condition. Last evaluated: 2020-02-05. Review status: no assertion criteria provided. Collection method: clinical testing. Allele origin: germline. Not counted in ClinVar's aggregate classification.
Comment: This variant is classified as likely benign based on ACMG/AMP sequence variant interpretation guidelines (Richards et al. 2015 PMID: 25741868, with internal and published modifications).